The following is an entry in ClinVar:

ClinVar aggregate classification (germline): Uncertain significance (1 of 4 stars; one submission).

Submission:

Labcorp Genetics (formerly Invitae), Labcorp
Classification: Uncertain significance. Last evaluated: 2021-04-08. Review status: criteria provided, single submitter. Criteria: Invitae Variant Classification Sherloc (09022015). Collection method: clinical testing. Allele origin: germline.
Comment: In summary, the available evidence is currently insufficient to determine the role of this variant in disease. Therefore, it has been classified as a Variant of Uncertain Significance. Algorithms developed to predict the effect of missense changes on protein structure and function are either unavailable or do not agree on the potential impact of this missense change (SIFT: "Deleterious"; PolyPhen-2: "Possibly Damaging"; Align-GVGD: "Class C0"). This variant has not been reported in the literature in individuals with GPAA1-related conditions. This variant is not present in population databases (ExAC no frequency). This sequence change replaces valine with alanine at codon 589 of the GPAA1 protein (p.Val589Ala). The valine residue is moderately conserved and there is a small physicochemical difference between valine and alanine.

NM_003801.4(GPAA1):c.1766T>C (p.Val589Ala)

Gene: GPAA1 (glycosylphosphatidylinositol anchor attachment 1; plus strand). Cytogenetic location: 8q24.3.
Variant type: single nucleotide variant.
Coding change: c.1766T>C on transcript NM_003801.4 (MANE Select); coding-DNA position 1766, T replaced by C.
Protein change: p.Val589Ala; replaces valine 589 with alanine.
Molecular consequence: missense variant.
Genome position (GRCh38, 1-based): chr8:144,086,025, T>C. VCF-style: chr8-144086025-T-C. GRCh37 (hg19) VCF-style: chr8-145140928-T-C.
Other names: short protein forms V589A.
Identifiers: ClinVar variation 1480304 (VCV001480304.8), dbSNP rs2129949651, ClinGen allele CA372509182.